The following is an entry in ClinVar:

ClinVar aggregate classification (germline): Uncertain significance. Review status: criteria provided, multiple submitters, no conflicts (2 of 4 stars). 3 submissions from 3 submitters: Uncertain significance (3). Last evaluated 2025-03-07.

Conditions:
Neurofibromatosis, type 2 (SWNV). Also called: BILATERAL ACOUSTIC NEUROFIBROMATOSIS; SCHWANNOMATOSIS, VESTIBULAR; NF2-Related Schwannomatosis. Identifiers: Orphanet 637, MedGen C0027832, MONDO:0007039, OMIM 101000. Disease mechanism: loss of function.
Hereditary cancer-predisposing syndrome. Also called: Neoplastic Syndromes, Hereditary; Hereditary Cancer Syndrome; Tumor predisposition; Hereditary neoplastic syndrome. Identifiers: Orphanet 140162, MedGen C0027672, MeSH D009386, MONDO:0015356.

Submissions (3):

GeneDx
Classification: Uncertain significance. Last evaluated: 2025-03-07. Review status: criteria provided, single submitter. Criteria: GeneDx Variant Classification Process June 2021. Collection method: clinical testing. Allele origin: germline. Affected: yes.
Comment: Not observed at significant frequency in large population cohorts (gnomAD); In silico analysis supports that this missense variant has a deleterious effect on protein structure/function; Has not been previously published as pathogenic or benign to our knowledge; This variant is associated with the following publications: (PMID: 11756419, 16324214)

Labcorp Genetics (formerly Invitae), Labcorp
Classification: Uncertain significance for Neurofibromatosis, type 2. Last evaluated: 2024-04-22. Review status: criteria provided, single submitter. Criteria: Invitae Variant Classification Sherloc (09022015). Collection method: clinical testing. Allele origin: germline.
Comment: This sequence change replaces aspartic acid, which is acidic and polar, with glutamic acid, which is acidic and polar, at codon 154 of the NF2 protein (p.Asp154Glu). This variant is not present in population databases (gnomAD no frequency). This variant has not been reported in the literature in individuals affected with NF2-related conditions. ClinVar contains an entry for this variant (Variation ID: 2562565). Advanced modeling of protein sequence and biophysical properties (such as structural, functional, and spatial information, amino acid conservation, physicochemical variation, residue mobility, and thermodynamic stability) performed at Invitae indicates that this missense variant is not expected to disrupt NF2 protein function with a negative predictive value of 80%. In summary, the available evidence is currently insufficient to determine the role of this variant in disease. Therefore, it has been classified as a Variant of Uncertain Significance.

Ambry Genetics
Classification: Uncertain significance for Hereditary cancer-predisposing syndrome. Last evaluated: 2023-05-04. Review status: criteria provided, single submitter. Criteria: Ambry Variant Classification Scheme 2023. Collection method: clinical testing. Allele origin: germline.
Comment: The p.D154E variant (also known as c.462C>A), located in coding exon 5 of the NF2 gene, results from a C to A substitution at nucleotide position 462. The aspartic acid at codon 154 is replaced by glutamic acid, an amino acid with highly similar properties. This amino acid position is conserved. In addition, the in silico prediction for this alteration is inconclusive. Since supporting evidence is limited at this time, the clinical significance of this alteration remains unclear.

NM_000268.4(NF2):c.462C>A (p.Asp154Glu)

Gene: NF2 (NF2, moesin-ezrin-radixin like (MERLIN) tumor suppressor; plus strand). Cytogenetic location: 22q12.2.
Variant type: single nucleotide variant.
Coding change: c.462C>A on transcript NM_000268.4 (MANE Select); coding-DNA position 462, C replaced by A.
Protein change: p.Asp154Glu; replaces aspartic acid 154 with glutamic acid.
Molecular consequence: missense variant. On other transcripts: 5 prime UTR variant (1), intron variant (1).
Genome position (GRCh38, 1-based): chr22:29,654,671, C>A. VCF-style: chr22-29654671-C-A. GRCh37 (hg19) VCF-style: chr22-30050660-C-A.
Other names: c.348C>A, p.Asp116Glu (NM_001407053.1, NM_001407056.1); c.339C>A, p.Asp113Glu (NM_001407054.1, NM_001407058.1, NM_001407062.1 and 1 more transcripts); c.336C>A, p.Asp112Glu (NM_001407055.1, NM_181828.3); c.462C>A, p.Asp154Glu (NM_001407057.1, NM_001407059.1, NM_001407060.1 and 4 more transcripts); c.213C>A, p.Asp71Glu (NM_001407063.1, NM_001407064.1, NM_181830.3 and 1 more transcripts); c.-179C>A (NM_001407065.1); c.231C>A, p.Asp77Glu (NM_001407067.1); c.447+12386C>A (NM_181833.3); short protein forms D154E, D112E, D71E, D113E, D116E, D77E.
Identifiers: ClinVar variation 2562565 (VCV002562565.6), dbSNP rs2146966529, ClinGen allele CA411142138.